The following is an entry in ClinVar:

NM_024306.5(FA2H):c.423C>T (p.Tyr141=)

Gene: FA2H (fatty acid 2-hydroxylase; minus strand). Cytogenetic location: 16q23.1.
Variant type: single nucleotide variant.
Coding change: c.423C>T on transcript NM_024306.5 (MANE Select); coding-DNA position 423, C replaced by T.
Protein change: p.Tyr141=; no amino-acid change (tyrosine 141 retained).
Molecular consequence: synonymous variant.
Genome position (GRCh38, 1-based): chr16:74,727,327, G>A on the plus strand (C>T on the coding strand, the complement: FA2H is on the minus strand). VCF-style: chr16-74727327-G-A. GRCh37 (hg19) VCF-style: chr16-74761225-G-A.
Identifiers: ClinVar variation 1101364 (VCV001101364.33), dbSNP rs201250822, ClinGen allele CA8170538.
Genomic context (GRCh38, chr16:74,727,327, plus strand): 5'-AATGAGGTCTGAGTGGAAGAGGCGGATGGGCCTGGTCACCGGCTGGTGAACCCACTCATC[G>A]TACTTCTCTCCCAAGTGGCCCACCTGCCACAGGAGAGGCTTTCGCCAGTCCACCAGGTCC-3'
Protein context (NP_077282.3, residues 131-151): LWQVGHLGEK[Tyr141=]DEWVHQPVTR

ClinVar aggregate classification (germline): Likely benign. Review status: criteria provided, multiple submitters, no conflicts (2 of 4 stars). 3 submissions from 3 submitters: Likely benign (3). Last evaluated 2024-10-04.

Conditions:
Spastic paraplegia. Identifiers: MedGen C0037772, HP:0001258.

Allele frequency attached by ClinVar (database versions not stated): gnomAD exomes 0.00003 and 0.00008; TOPMed 0.00003; gnomAD 0.00006; ExAC 0.00007; 1000 Genomes Project 30x 0.00031; 1000 Genomes Project 0.00040.
gnomAD v4.1: 46 of 1,614,070 alleles (0.0028%); highest among the groups gnomAD compares: East Asian, 0.04%; no homozygotes.

Submissions (3):

Blueprint Genetics
Classification: Likely benign. Last evaluated: 2024-10-04. Review status: criteria provided, single submitter. Criteria: ACMG Guidelines, 2015. Collection method: clinical testing. Allele origin: germline.

CeGaT Center for Human Genetics Tuebingen
Classification: Likely benign. Last evaluated: 2023-02-01. Review status: criteria provided, single submitter. Criteria: CeGaT Center For Human Genetics Tuebingen Variant Classification Criteria Version 2. Collection method: clinical testing. Allele origin: germline. Affected: yes. Observed: 1 variant allele.
Comment: FA2H: BP4, BP7

Labcorp Genetics (formerly Invitae), Labcorp
Classification: Likely benign for Spastic paraplegia. Last evaluated: 2022-03-19. Review status: criteria provided, single submitter. Criteria: Invitae Variant Classification Sherloc (09022015). Collection method: clinical testing. Allele origin: germline.